The following is an entry in ClinVar:

ClinVar aggregate classification (germline): Uncertain significance. Review status: criteria provided, multiple submitters, no conflicts (2 of 4 stars). 2 submissions from 2 submitters: Uncertain significance (2). Last evaluated 2024-05-27.

Conditions:
Pancreatic adenocarcinoma. Identifiers: MedGen C0281361, MONDO:0006047, HP:0006725.

Allele frequency attached by ClinVar (database versions not stated): gnomAD exomes below 0.00001; TOPMed below 0.00001.
gnomAD v4.1: 1 of 1,613,908 alleles (0.000062%); highest among the groups gnomAD compares: East Asian, 0.0022%; no homozygotes.

Submissions (2):

Ambry Genetics
Classification: Uncertain significance. Last evaluated: 2024-05-27. Review status: criteria provided, single submitter. Criteria: Ambry Variant Classification Scheme 2023. Collection method: clinical testing. Allele origin: germline.
Comment: The p.L920R variant (also known as c.2759T>G), located in coding exon 15 of the PALLD gene, results from a T to G substitution at nucleotide position 2759. The leucine at codon 920 is replaced by arginine, an amino acid with dissimilar properties. This amino acid position is conserved. In addition, this alteration is predicted to be deleterious by in silico analysis. Since supporting evidence is limited at this time, the clinical significance of this alteration remains unclear.

Labcorp Genetics (formerly Invitae), Labcorp
Classification: Uncertain significance for Pancreatic adenocarcinoma. Last evaluated: 2022-09-01. Review status: criteria provided, single submitter. Criteria: Invitae Variant Classification Sherloc (09022015). Collection method: clinical testing. Allele origin: germline.
Comment: This variant is present in population databases (no rsID available, gnomAD 0.006%). This sequence change replaces leucine, which is neutral and non-polar, with arginine, which is basic and polar, at codon 433 of the PALLD protein (p.Leu433Arg). This variant has not been reported in the literature in individuals affected with PALLD-related conditions. ClinVar contains an entry for this variant (Variation ID: 542935). Algorithms developed to predict the effect of missense changes on protein structure and function (SIFT, PolyPhen-2, Align-GVGD) all suggest that this variant is likely to be disruptive. In summary, the available evidence is currently insufficient to determine the role of this variant in disease. Therefore, it has been classified as a Variant of Uncertain Significance.

NM_001166108.2(PALLD):c.2810T>G (p.Leu937Arg)

Genes: CBR4 (carbonyl reductase 4; minus strand), PALLD (palladin, cytoskeletal associated protein; plus strand). Cytogenetic location: 4q32.3.
Variant type: single nucleotide variant.
Coding change: c.2810T>G on transcript NM_001166108.2 (MANE Select); coding-DNA position 2810, T replaced by G.
Protein change: p.Leu937Arg; replaces leucine 937 with arginine.
Molecular consequence: missense variant.
Genome position (GRCh38, 1-based): chr4:168,915,987, T>G. VCF-style: chr4-168915987-T-G. GRCh37 (hg19) VCF-style: chr4-169837138-T-G.
Other names: c.1613T>G, p.Leu538Arg (NM_001166109.2); c.1298T>G, p.Leu433Arg (NM_001166110.2); c.638T>G, p.Leu213Arg (NM_001367567.1, NM_001367569.1); c.689T>G, p.Leu230Arg (NM_001367568.1, NM_001367570.1); c.2759T>G, p.Leu920Arg (NM_016081.4); short protein forms L433R, L920R, L937R, L213R, L538R, L230R.
Identifiers: ClinVar variation 542935 (VCV000542935.10), dbSNP rs1470434769, ClinGen allele CA358706863.